The following is an entry in ClinVar:

NM_001378418.1(TCF20):c.1545G>A (p.Met515Ile)

Gene: TCF20 (transcription factor 20; minus strand). Cytogenetic location: 22q13.2.
Variant type: single nucleotide variant.
Coding change: c.1545G>A on transcript NM_001378418.1 (MANE Select); coding-DNA position 1545, G replaced by A.
Protein change: p.Met515Ile; replaces methionine 515 with isoleucine.
Molecular consequence: missense variant.
Genome position (GRCh38, 1-based): chr22:42,213,761, C>T on the plus strand (G>A on the coding strand, the complement: TCF20 is on the minus strand). VCF-style: chr22-42213761-C-T. GRCh37 (hg19) VCF-style: chr22-42609767-C-T.
Other names: c.1545G>A, p.Met515Ile (NM_005650.4, NM_181492.3); short protein forms M515I.
Identifiers: ClinVar variation 1708328 (VCV001708328.2), dbSNP rs2518235252, ClinGen allele CA411790586.

ClinVar aggregate classification (germline): Uncertain significance (1 of 4 stars; one submission).

Submission:

Centre of Medical Genetics, University Hospital Muenster
Classification: Uncertain significance. Last evaluated: 2021-12-10. Review status: criteria provided, single submitter. Criteria: ACMG Guidelines, 2015. Collection method: clinical testing. Allele origin: unknown. Affected: yes. Observed: 1 variant allele, 1 heterozygote.
Comment: ACMG categories: PM1,PM2,PP3,BP1